The following is an entry in ClinVar:

ClinVar aggregate classification (germline): Uncertain significance. Review status: criteria provided, multiple submitters, no conflicts (2 of 4 stars). 2 submissions from 2 submitters: Uncertain significance (2). Last evaluated 2025-03-31.

Conditions:
Inborn genetic diseases. Identifiers: MedGen C0950123, MeSH D030342.
Sphingolipid activator protein 1 deficiency. Also called: METACHROMATIC LEUKODYSTROPHY DUE TO CEREBROSIDE SULFATASE ACTIVATOR DEFICIENCY; Metachromatic leukodystrophy due to saposin B deficiency; Saposin B Deficiency. Identifiers: Orphanet 512, MedGen C0268262, MONDO:0009590, OMIM 249900.

gnomAD v4.1: 27 of 1,614,034 alleles (0.0017%); highest among the groups gnomAD compares: African/African-American, 0.004%; no homozygotes.

Submissions (2):

Ambry Genetics
Classification: Uncertain significance for Inborn genetic diseases. Last evaluated: 2025-03-31. Review status: criteria provided, single submitter. Criteria: Ambry Variant Classification Scheme 2023. Collection method: clinical testing. Allele origin: germline.

Labcorp Genetics (formerly Invitae), Labcorp
Classification: Uncertain significance for Sphingolipid activator protein 1 deficiency. Last evaluated: 2024-11-21. Review status: criteria provided, single submitter. Criteria: Invitae Variant Classification Sherloc (09022015). Collection method: clinical testing. Allele origin: germline.
Comment: This sequence change replaces leucine, which is neutral and non-polar, with phenylalanine, which is neutral and non-polar, at codon 137 of the PSAP protein (p.Leu137Phe). This variant is present in population databases (rs377027316, gnomAD 0.008%). This variant has not been reported in the literature in individuals affected with PSAP-related conditions. An algorithm developed to predict the effect of missense changes on protein structure and function outputs the following: PolyPhen-2: "Possibly Damaging". The phenylalanine amino acid residue is found in multiple mammalian species, which suggests that this missense change does not adversely affect protein function. In summary, the available evidence is currently insufficient to determine the role of this variant in disease. Therefore, it has been classified as a Variant of Uncertain Significance.

NM_002778.4(PSAP):c.409C>T (p.Leu137Phe)

Gene: PSAP (prosaposin; minus strand). Cytogenetic location: 10q22.1.
Variant type: single nucleotide variant.
Coding change: c.409C>T on transcript NM_002778.4 (MANE Select); coding-DNA position 409, C replaced by T.
Protein change: p.Leu137Phe; replaces leucine 137 with phenylalanine.
Molecular consequence: missense variant.
Genome position (GRCh38, 1-based): chr10:71,829,044, G>A on the plus strand (C>T on the coding strand, the complement: PSAP is on the minus strand). VCF-style: chr10-71829044-G-A. GRCh37 (hg19) VCF-style: chr10-73588801-G-A.
Other names: c.409C>T (NM_002778.2); c.409C>T, p.Leu137Phe (NM_001042465.3, NM_001042466.3); short protein forms L137F.
Identifiers: ClinVar variation 3651228 (VCV003651228.3).